The following is an entry in ClinVar:

NM_001953.5(TYMP):c.1330_1351del (p.Gly444fs)

Genes: SCO2 (synthesis of cytochrome C oxidase 2; minus strand), TYMP (thymidine phosphorylase; minus strand), LOC130067862 (ATAC-STARR-seq lymphoblastoid silent region 13986; plus strand). Cytogenetic location: 22q13.33.
Variant type: Deletion.
Coding change: c.1330_1351del on transcript NM_001953.5 (MANE Select); coding-DNA positions 1330 to 1351, 22 bases deleted (GGCCCCGCGCTCAGCGGCCCGC).
Protein change: p.Gly444fs; shifts the reading frame from glycine 444.
Molecular consequence: frameshift variant. On other transcripts: intron variant (2).
Genome position (GRCh38, 1-based): chr22:50,525,868-50,525,889, GCGGGCCGCTGAGCGCGGGGCC deleted on the plus strand (GGCCCCGCGCTCAGCGGCCCGC on the coding strand, the reverse complement: TYMP is on the minus strand); deleting any 22 consecutive bases within chr22:50,525,868-50,525,890 gives the same sequence; the c. name uses the placement nearest the transcript's 3' end. VCF-style (leftmost placement, unchanged base first): chr22-50525867-TGCGGGCCGCTGAGCGCGGGGCC-T. GRCh37 (hg19) VCF-style: chr22-50964296-TGCGGGCCGCTGAGCGCGGGGCC-T.
Other names: c.1330_1351del, p.Gly444fs (NM_001113755.3, NM_001113756.3, NM_001257988.1); c.1345_1366del, p.Gly449fs (NM_001257989.1); c.-14+357_-14+378del (NM_001169109.2); c.-14+112_-14+133del (NM_001169110.1); short protein forms G444fs, G449fs.
Identifiers: ClinVar variation 1449710 (VCV001449710.7), dbSNP rs893130646, ClinGen allele CA325560089.

ClinVar aggregate classification (germline): Pathogenic (1 of 4 stars; one submission).

Submission:

Labcorp Genetics (formerly Invitae), Labcorp
Classification: Pathogenic. Last evaluated: 2021-04-17. Review status: criteria provided, single submitter. Criteria: Invitae Variant Classification Sherloc (09022015). Collection method: clinical testing. Allele origin: germline.
Comment: For these reasons, this variant has been classified as Pathogenic. This variant results in an extension of the TYMP protein. Other variant(s) that result in a similarly extended protein product (p.Phe467Profs*?) have been determined to be pathogenic (PMID: 21933806). This suggests that these extensions are likely to be causative of disease. This variant has not been reported in the literature in individuals with TYMP-related conditions. This variant is not present in population databases (ExAC no frequency). This sequence change results in a frameshift in the TYMP gene (p.Gly444Argfs*?). While this is not anticipated to result in nonsense mediated decay, it is expected to disrupt the last 39 amino acid(s) of the TYMP protein and extend the protein by an uncertain number of additional amino acid residues.

Literature cited by the submitters: PubMed 21933806.